The following is an entry in ClinVar:

NM_001184.4(ATR):c.5300C>T (p.Thr1767Ile)

Gene: ATR (ATR checkpoint kinase; minus strand). Cytogenetic location: 3q23.
Variant type: single nucleotide variant.
Coding change: c.5300C>T on transcript NM_001184.4 (MANE Select); coding-DNA position 5300, C replaced by T.
Protein change: p.Thr1767Ile; replaces threonine 1767 with isoleucine.
Molecular consequence: missense variant.
Genome position (GRCh38, 1-based): chr3:142,499,707, G>A on the plus strand (C>T on the coding strand, the complement: ATR is on the minus strand). VCF-style: chr3-142499707-G-A. GRCh37 (hg19) VCF-style: chr3-142218549-G-A.
Other names: c.5108C>T, p.Thr1703Ile (NM_001354579.2); short protein forms T1767I, T1703I.
Identifiers: ClinVar variation 1746706 (VCV001746706.8), dbSNP rs2473169925, ClinGen allele CA354817324.

ClinVar aggregate classification (germline): Uncertain significance. Review status: criteria provided, multiple submitters, no conflicts (2 of 4 stars). 2 submissions from 2 submitters: Uncertain significance (2). Last evaluated 2024-06-29.

Conditions:
Inborn genetic diseases. Identifiers: MedGen C0950123, MeSH D030342.

Submissions (2):

Ambry Genetics
Classification: Uncertain significance for Inborn genetic diseases. Last evaluated: 2024-06-29. Review status: criteria provided, single submitter. Criteria: Ambry Variant Classification Scheme 2023. Collection method: clinical testing. Allele origin: germline.
Comment: The p.T1767I variant (also known as c.5300C>T), located in coding exon 31 of the ATR gene, results from a C to T substitution at nucleotide position 5300. The threonine at codon 1767 is replaced by isoleucine, an amino acid with similar properties. This amino acid position is conserved. In addition, this alteration is predicted to be tolerated by in silico analysis. Since supporting evidence is limited at this time, the clinical significance of this alteration remains unclear.

Labcorp Genetics (formerly Invitae), Labcorp
Classification: Uncertain significance. Last evaluated: 2022-09-28. Review status: criteria provided, single submitter. Criteria: Invitae Variant Classification Sherloc (09022015). Collection method: clinical testing. Allele origin: germline.
Comment: This variant has not been reported in the literature in individuals affected with ATR-related conditions. In summary, the available evidence is currently insufficient to determine the role of this variant in disease. Therefore, it has been classified as a Variant of Uncertain Significance. Algorithms developed to predict the effect of missense changes on protein structure and function (SIFT, PolyPhen-2, Align-GVGD) all suggest that this variant is likely to be tolerated. This variant is not present in population databases (gnomAD no frequency). This sequence change replaces threonine, which is neutral and polar, with isoleucine, which is neutral and non-polar, at codon 1767 of the ATR protein (p.Thr1767Ile).